The following is an entry in ClinVar:

ClinVar aggregate classification (germline): Conflicting classifications of pathogenicity. Review status: criteria provided, conflicting classifications (1 of 4 stars). 5 submissions from 5 submitters: Uncertain significance (2); Likely benign (2). 1 of the submissions does not count toward it. Last evaluated 2024-10-02.

Conditions:
KIF1B-related disorder. Also called: KIF1B-related condition.

Allele frequency attached by ClinVar (database versions not stated): gnomAD exomes 0.00002 and 0.00003; ExAC 0.00003; gnomAD 0.00003; TOPMed 0.00003; ESP Exome Variant Server 0.00008.
gnomAD v4.1: 61 of 1,602,244 alleles (0.0038%); highest among the groups gnomAD compares: Middle Eastern, 0.15%; no homozygotes.

Submissions (5):

Blueprint Genetics
Classification: Likely benign. Last evaluated: 2024-10-02. Review status: criteria provided, single submitter. Criteria: ACMG Guidelines, 2015. Collection method: clinical testing. Allele origin: germline.

Ambry Genetics
Classification: Likely benign. Last evaluated: 2022-06-13. Review status: criteria provided, single submitter. Criteria: Ambry Variant Classification Scheme 2023. Collection method: clinical testing. Allele origin: germline.

Eurofins Ntd Llc (ga)
Classification: Uncertain significance. Last evaluated: 2016-06-07. Review status: criteria provided, single submitter. Criteria: EGL Classification Definitions 2015. Collection method: clinical testing. Allele origin: germline. Observed: 2 variant alleles, 2 heterozygotes.

Breakthrough Genomics
Classification: Uncertain significance. Review status: criteria provided, single submitter. Criteria: ACMG Guidelines, 2015. Collection method: not provided. Allele origin: germline. Inheritance: Autosomal dominant inheritance. Affected: yes.

PreventionGenetics, part of Exact Sciences
Classification: Likely benign for KIF1B-related condition. Last evaluated: 2019-02-19. Review status: no assertion criteria provided. Collection method: clinical testing. Allele origin: germline. Not counted in ClinVar's aggregate classification.
Comment: This variant is classified as likely benign based on ACMG/AMP sequence variant interpretation guidelines (Richards et al. 2015 PMID: 25741868, with internal and published modifications).

NM_001365951.3(KIF1B):c.-5T>C

Genes: KIF1B (kinesin family member 1B; plus strand), LOC129388446 (MPRA-validated peak64 silencer; plus strand). Cytogenetic location: 1p36.22.
Variant type: single nucleotide variant.
Coding change: c.-5T>C on transcript NM_001365951.3 (MANE Select); 5 bases upstream of the start codon, T replaced by C.
Molecular consequence: 5 prime UTR variant.
Genome position (GRCh38, 1-based): chr1:10,232,324, T>C. VCF-style: chr1-10232324-T-C. GRCh37 (hg19) VCF-style: chr1-10292382-T-C.
Other names: c.-5T>C (NM_001365952.1, NM_001365953.1, NM_015074.3 and 1 more transcripts).
Identifiers: ClinVar variation 287755 (VCV000287755.11), dbSNP rs200491456, ClinGen allele CA580591.